The following is an entry in ClinVar:

NM_172240.3(POC1B):c.323T>C (p.Val108Ala)

Genes: POC1B (POC1 centriolar protein B; minus strand), POC1B-DUSP6 (POC1B-DUSP6 readthrough; minus strand). Cytogenetic location: 12q21.33.
Variant type: single nucleotide variant.
Coding change: c.323T>C on transcript NM_172240.3 (MANE Select); coding-DNA position 323, T replaced by C.
Protein change: p.Val108Ala; replaces valine 108 with alanine.
Molecular consequence: missense variant. On other transcripts: non-coding transcript variant (2).
Genome position (GRCh38, 1-based): chr12:89,492,065, A>G on the plus strand (T>C on the coding strand, the complement: POC1B is on the minus strand). VCF-style: chr12-89492065-A-G. GRCh37 (hg19) VCF-style: chr12-89885842-A-G.
Other names: c.197T>C, p.Val66Ala (NM_001199777.2); short protein forms V108A, V66A.
Identifiers: ClinVar variation 966278 (VCV000966278.9), dbSNP rs757413601, ClinGen allele CA6714542.

ClinVar aggregate classification (germline): Uncertain significance (1 of 4 stars; one submission).

Allele frequency attached by ClinVar (database versions not stated): gnomAD exomes below 0.00001; TOPMed below 0.00001; ExAC 0.00001.
gnomAD v4.1: 3 of 1,604,996 alleles (0.00019%); highest among the groups gnomAD compares: Middle Eastern, 0.017%; no homozygotes.

Submission:

Labcorp Genetics (formerly Invitae), Labcorp
Classification: Uncertain significance. Last evaluated: 2022-10-13. Review status: criteria provided, single submitter. Criteria: Invitae Variant Classification Sherloc (09022015). Collection method: clinical testing. Allele origin: germline.
Comment: The frequency data for this variant in the population databases is considered unreliable, as metrics indicate poor data quality at this position in the gnomAD database. In summary, the available evidence is currently insufficient to determine the role of this variant in disease. Therefore, it has been classified as a Variant of Uncertain Significance. Algorithms developed to predict the effect of missense changes on protein structure and function (SIFT, PolyPhen-2, Align-GVGD) all suggest that this variant is likely to be disruptive. ClinVar contains an entry for this variant (Variation ID: 966278). This variant has not been reported in the literature in individuals affected with POC1B-related conditions. This sequence change replaces valine, which is neutral and non-polar, with alanine, which is neutral and non-polar, at codon 108 of the POC1B protein (p.Val108Ala).